The following is an entry in ClinVar:

ClinVar aggregate classification (germline): Pathogenic. Review status: criteria provided, single submitter (1 of 4 stars). 4 submissions from 4 submitters: Pathogenic (1). 3 of the submissions do not count toward it. Last evaluated 2026-04-08.

Conditions:
Perrault syndrome 2 (PRLTS2). Identifiers: Orphanet 2855, Orphanet 642976, MedGen C3554105, MONDO:0013972, OMIM 614926.
Perrault syndrome. Also called: Gonadal dysgenesis with auditory dysfunction, autosomal recessive inheritance. Identifiers: Orphanet 2855, MedGen C0685838, MONDO:0017312.

Allele frequency attached by ClinVar (database versions not stated): ESP Exome Variant Server 0.00008.
gnomAD v4.1: 7 of 1,614,036 alleles (0.00043%); highest among the groups gnomAD compares: Admixed American, 0.0017%; no homozygotes.

Submissions (4):

GeneDx
Classification: Pathogenic. Last evaluated: 2026-04-08. Review status: criteria provided, single submitter. Criteria: GeneDx Variant Classification Process June 2021. Collection method: clinical testing. Allele origin: germline.
Comment: Not observed at significant frequency in large population cohorts (gnomAD); In silico analysis supports that this missense variant has a deleterious effect on protein structure/function; This variant is associated with the following publications: (PMID: 22037954, 25506236, 25741941, 26278626, 28632987, 26243799, 29305884, 24639874, 23510774, 24917879, 23427196, 27876679, 31589614, 21464306, 29907799)

ClinVar Staff, National Center for Biotechnology Information (NCBI)
Classification: Likely pathogenic for Perrault syndrome 2. Last evaluated: 2013-06-27. Review status: no assertion criteria provided. Collection method: literature only. Allele origin: germline. Affected: yes. Not counted in ClinVar's aggregate classification.

OMIM
Classification: Pathogenic for PERRAULT SYNDROME 2. Last evaluated: 2011-04-19. Review status: no assertion criteria provided. Collection method: literature only. Allele origin: germline. Not counted in ClinVar's aggregate classification.

GeneReviews
No classification provided. Condition: Perrault syndrome. Review status: no classification provided. Collection method: literature only. Allele origin: germline. Not counted in ClinVar's aggregate classification.

Literature cited by the submitters: PubMed 21464306 (cited by 3 submitters).

NM_012208.4(HARS2):c.1102G>T (p.Val368Leu)

Gene: HARS2 (histidyl-tRNA synthetase 2, mitochondrial; plus strand). Cytogenetic location: 5q31.3.
Variant type: single nucleotide variant.
Coding change: c.1102G>T on transcript NM_012208.4 (MANE Select); coding-DNA position 1102, G replaced by T.
Protein change: p.Val368Leu; replaces valine 368 with leucine.
Molecular consequence: missense variant.
Genome position (GRCh38, 1-based): chr5:140,697,311, G>T. VCF-style: chr5-140697311-G-T. GRCh37 (hg19) VCF-style: chr5-140076896-G-T.
Other names: c.1027G>T, p.Val343Leu (NM_001278731.2); c.670G>T, p.Val224Leu (NM_001278732.2); c.1120G>T, p.Val374Leu (NM_001363535.2); c.892G>T, p.Val298Leu (NM_001363536.2); short protein forms V368L, V374L, V298L, V343L, V224L.
Identifiers: ClinVar variation 208286 (VCV000208286.5), dbSNP rs376177973, ClinGen allele CA350908.
Genomic context (GRCh38, chr5:140,697,311, plus strand): 5'-GCTGGGGAGGAGCCCCTGAATGTGGGCAGTGTGGCTGCTGGTGGGCGCTATGATGGGCTG[G>T]TGGGCATGTTTGACCCCAAGGGCCACAAGGTGCCATGTGTGGGACTCAGCATTGGGGTTG-3'
Protein context (NP_036340.1, residues 358-378): VAAGGRYDGL[Val368Leu]GMFDPKGHKV